The following is an entry in ClinVar:

NM_000051.4(ATM):c.6959A>G (p.Asp2320Gly)

Genes: ATM (ATM serine/threonine kinase; plus strand), C11orf65 (chromosome 11 open reading frame 65; minus strand). Cytogenetic location: 11q22.3.
Variant type: single nucleotide variant.
Coding change: c.6959A>G on transcript NM_000051.4 (MANE Select); coding-DNA position 6959, A replaced by G.
Protein change: p.Asp2320Gly; replaces aspartic acid 2320 with glycine.
Molecular consequence: missense variant. On other transcripts: intron variant (2).
Genome position (GRCh38, 1-based): chr11:108,326,209, A>G. VCF-style: chr11-108326209-A-G. GRCh37 (hg19) VCF-style: chr11-108196936-A-G.
Other names: c.6959A>G, p.Asp2320Gly (NM_001351834.2); c.641-17138T>C (NM_001330368.2); c.*38+9011T>C (NM_001351110.2); short protein forms D2320G.
Identifiers: ClinVar variation 407627 (VCV000407627.17), dbSNP rs1060501640, ClinGen allele CA16613115.

ClinVar aggregate classification (germline): Uncertain significance. Review status: criteria provided, multiple submitters, no conflicts (2 of 4 stars). 4 submissions from 4 submitters: Uncertain significance (4). Last evaluated 2025-12-18.

Conditions:
Hereditary cancer-predisposing syndrome. Also called: Neoplastic Syndromes, Hereditary; Hereditary Cancer Syndrome; Tumor predisposition; Hereditary neoplastic syndrome. Identifiers: Orphanet 140162, MedGen C0027672, MeSH D009386, MONDO:0015356.
Familial cancer of breast. Also called: Hereditary breast cancer; BREAST CANCER, FAMILIAL; hereditary breast carcinoma. Identifiers: Orphanet 227535, MedGen C0346153, MONDO:0016419, OMIM 114480. Disease mechanism: loss of function.
Ataxia-telangiectasia syndrome (AT). Also called: LOUIS-BAR SYNDROME; Cerebello-oculocutaneous telangiectasia; Immunodeficiency with ataxia telangiectasia; Ataxia-telangiectasia, complementation group D; AT, COMPLEMENTATION GROUP C; Ataxia-telangiectasia, complementation group E. Identifiers: Orphanet 100, MedGen C0004135, MONDO:0008840, OMIM 208900.

Allele frequency attached by ClinVar (database versions not stated): gnomAD exomes below 0.00001.
gnomAD v4.1: 6 of 1,614,144 alleles (0.00037%); highest among the groups gnomAD compares: Non-Finnish European, 0.00051%; no homozygotes.

Submissions (4):

Ambry Genetics
Classification: Uncertain significance for Hereditary cancer-predisposing syndrome. Last evaluated: 2025-12-18. Review status: criteria provided, single submitter. Criteria: Ambry Variant Classification Scheme 2023. Collection method: clinical testing. Allele origin: germline.
Comment: The p.D2320G variant (also known as c.6959A>G), located in coding exon 46 of the ATM gene, results from an A to G substitution at nucleotide position 6959. The aspartic acid at codon 2320 is replaced by glycine, an amino acid with similar properties. In an assay testing ATM function, this variant showed a functionally normal result (Lee KS et al. Cell, 2025 Sep;188:5081-5099.e27). This amino acid position is not well conserved in available vertebrate species. In addition, the in silico prediction for this alteration is inconclusive. Based on the available evidence, the clinical significance of this variant remains unclear.

Baylor Genetics
Classification: Uncertain significance for Familial cancer of breast. Last evaluated: 2024-01-12. Review status: criteria provided, single submitter. Criteria: ACMG Guidelines, 2015. Collection method: clinical testing. Allele origin: unknown.

Color Diagnostics, LLC DBA Color Health
Classification: Uncertain significance for Hereditary cancer-predisposing syndrome. Last evaluated: 2023-12-05. Review status: criteria provided, single submitter. Criteria: ACMG Guidelines, 2015. Collection method: clinical testing. Allele origin: germline.
Comment: This missense variant replaces aspartic acid with glycine at codon 2320 of the ATM protein. Computational prediction is inconclusive regarding the impact of this variant on protein structure and function (internally defined REVEL score threshold 0.5 < inconclusive < 0.7, PMID: 27666373). To our knowledge, functional studies have not been reported for this variant. This variant has not been reported in individuals affected with ATM-related disorders in the literature. This variant has not been identified in the general population by the Genome Aggregation Database (gnomAD). The available evidence is insufficient to determine the role of this variant in disease conclusively. Therefore, this variant is classified as a Variant of Uncertain Significance.

Labcorp Genetics (formerly Invitae), Labcorp
Classification: Uncertain significance for Ataxia-telangiectasia syndrome. Last evaluated: 2021-12-15. Review status: criteria provided, single submitter. Criteria: Invitae Variant Classification Sherloc (09022015). Collection method: clinical testing. Allele origin: germline.
Comment: This sequence change replaces aspartic acid, which is acidic and polar, with glycine, which is neutral and non-polar, at codon 2320 of the ATM protein (p.Asp2320Gly). This variant is not present in population databases (gnomAD no frequency). This variant has not been reported in the literature in individuals affected with ATM-related conditions. ClinVar contains an entry for this variant (Variation ID: 407627). Advanced modeling of protein sequence and biophysical properties (such as structural, functional, and spatial information, amino acid conservation, physicochemical variation, residue mobility, and thermodynamic stability) performed at Invitae indicates that this missense variant is not expected to disrupt ATM protein function. In summary, the available evidence is currently insufficient to determine the role of this variant in disease. Therefore, it has been classified as a Variant of Uncertain Significance.

Literature cited by the submitters: PubMed 40580951 (cited by Ambry Genetics).